The following is an entry in ClinVar:

NM_005269.3(GLI1):c.1921G>T (p.Asp641Tyr)

Gene: GLI1 (GLI family zinc finger 1; plus strand). Cytogenetic location: 12q13.3.
Variant type: single nucleotide variant.
Coding change: c.1921G>T on transcript NM_005269.3 (MANE Select); coding-DNA position 1921, G replaced by T.
Protein change: p.Asp641Tyr; replaces aspartic acid 641 with tyrosine.
Molecular consequence: missense variant.
Genome position (GRCh38, 1-based): chr12:57,470,661, G>T. VCF-style: chr12-57470661-G-T. GRCh37 (hg19) VCF-style: chr12-57864444-G-T.
Other names: c.1537G>T, p.Asp513Tyr (NM_001160045.2); c.1798G>T, p.Asp600Tyr (NM_001167609.2); c.1921G>T (NM_005269.2); short protein forms D513Y, D600Y, D641Y.
Identifiers: ClinVar variation 1050459 (VCV001050459.3), dbSNP rs763500947, ClinGen allele CA6648910.
Genomic context (GRCh38, chr12:57,470,661, plus strand): 5'-AGAAGCCGAGCCGAGTATCCAGGATACAACCCCAATGCAGGGGTCACCCGGAGGGCCAGT[G>T]ACCCAGCCCAGGCTGCTGACCGTCCTGCTCCAGCTAGAGTCCAGAGGTTCAAGAGCCTGG-3'
Protein context (NP_005260.1, residues 631-651): PNAGVTRRAS[Asp641Tyr]PAQAADRPAP

ClinVar aggregate classification (germline): Uncertain significance. Review status: criteria provided, single submitter (1 of 4 stars). 2 submissions from 2 submitters: Uncertain significance (1). 1 of the submissions does not count toward it. Last evaluated 2023-08-10.

Allele frequency attached by ClinVar (database versions not stated): ExAC 0.00001; gnomAD 0.00001 and 0.00002; gnomAD exomes 0.00001; TOPMed 0.00002.
gnomAD v4.1: 19 of 1,613,576 alleles (0.0012%); highest among the groups gnomAD compares: Non-Finnish European, 0.00034%; no homozygotes.

Submissions (2):

Ambry Genetics
Classification: Uncertain significance. Last evaluated: 2023-08-10. Review status: criteria provided, single submitter. Criteria: Ambry Variant Classification Scheme 2023. Collection method: clinical testing. Allele origin: germline.

Department of Pathology and Laboratory Medicine, Sinai Health System
Classification: Uncertain significance. Review status: no assertion criteria provided. Collection method: clinical testing. Allele origin: unknown. Affected: yes. Study: The Canadian Open Genetics Repository (COGR). Not counted in ClinVar's aggregate classification.
Comment: Â¬â€ The GLI1 p.D600Y variant was not identified in the literature nor was it identified in ClinVar. The variant was identified in dbSNP (ID: rs763500947) and in control databases in 3 of 249748 chromosomes at a frequency of 0.00001201 (Genome Aggregation Database March 6, 2019, v2.1.1). The variant was observed in the Ashkenazi Jewish population in 3 of 9980 chromosomes (freq: 0.000301), but was not observed in the African, Latino, East Asian, European (Finnish), European (non-Finnish), Other, or South Asian populations. The p.D600 residue is conserved in mammals and computational analyses (PolyPhen-2, SIFT, MutationTaster, Revel, FATHMM, MetaLR, DANN) provide inconsistent predictions regarding the impact to the protein; this information is not very predictive of pathogenicity. The variant occurs outside of the splicing consensus sequence and in silico or computational prediction software programs (Splice AI exome) do not predict a difference in splicing. In summary, based on the above information the clinical significance of this variant cannot be determined with certainty at this time. This variant is classified as a variant of uncertain significance.